The following is an entry in ClinVar:

ClinVar aggregate classification (germline): Pathogenic (1 of 4 stars; one submission).

Conditions:
Leigh syndrome (NULS). Also called: Leigh's syndrome; Leigh Disease; Subacute necrotizing encephalopathy; Necrotizing encephalopathy infantile subacute of Leigh; Leigh's necrotizing encephalopathy; Leigh's disease. Identifiers: Orphanet 506, MedGen C2931891, MONDO:0009723, OMIM 256000.

Submission:

Women's Health and Genetics/Laboratory Corporation of America, LabCorp
Classification: Pathogenic for Leigh syndrome. Last evaluated: 2021-10-11. Review status: criteria provided, single submitter. Criteria: LabCorp Variant Classification Summary - May 2015. Collection method: clinical testing. Allele origin: germline.
Comment: Variant summary: SURF1 c.867G>A (p.Trp289X) results in a premature termination codon, predicted to cause a truncation of the encoded protein or absence of the protein due to nonsense mediated decay, which are commonly known mechanisms for disease. The variant was absent in 250806 control chromosomes (gnomAD). c.867G>A has been reported in the literature in individuals affected with Leigh Syndrome, including homozygotes (Tiranti_1999, van Riesen_2006, Ogawa_2017). These data indicate that the variant is likely to be associated with disease. To our knowledge, no experimental evidence demonstrating an impact on protein function has been reported. No clinical diagnostic laboratories have submitted clinical-significance assessments for this variant to ClinVar after 2014. Based on the evidence outlined above, the variant was classified as pathogenic.

Literature cited by the submitters: PubMed 23829769; PubMed 22488715; PubMed 29933018; PubMed 28429146; PubMed 31967322; PubMed 17908801; PubMed 10556302; PubMed 16773507.

NM_003172.4(SURF1):c.867G>A (p.Trp289Ter)

Gene: SURF1 (SURF1 cytochrome c oxidase assembly factor; minus strand). Cytogenetic location: 9q34.2.
Variant type: single nucleotide variant.
Coding change: c.867G>A on transcript NM_003172.4 (MANE Select); coding-DNA position 867, G replaced by A.
Protein change: p.Trp289Ter; replaces tryptophan 289 with a stop codon.
Molecular consequence: nonsense.
Genome position (GRCh38, 1-based): chr9:133,351,949, C>T on the plus strand (G>A on the coding strand, the complement: SURF1 is on the minus strand). VCF-style: chr9-133351949-C-T. GRCh37 (hg19) VCF-style: chr9-136218804-C-T.
Other names: c.540G>A, p.Trp180Ter (NM_001280787.1); short protein forms W180*, W289*.
Identifiers: ClinVar variation 1321366 (VCV001321366.1), dbSNP rs2119079745, ClinGen allele CA375693354.